The following is an entry in ClinVar:

ClinVar aggregate classification (germline): Uncertain significance. Review status: criteria provided, multiple submitters, no conflicts (2 of 4 stars). 2 submissions from 2 submitters: Uncertain significance (2). Last evaluated 2026-01-12.

Conditions:
Pyruvate carboxylase deficiency. Also called: PC DEFICIENCY; Pyruvate Carboxylase Deficiency Disease; ATAXIA WITH LACTIC ACIDOSIS II; LEIGH NECROTIZING ENCEPHALOPATHY DUE TO PYRUVATE CARBOXYLASE DEFICIENCY; LEIGH SYNDROME DUE TO PYRUVATE CARBOXYLASE DEFICIENCY. Identifiers: Orphanet 3008, MedGen C0034341, MONDO:0009949, OMIM 266150.
Inborn genetic diseases. Identifiers: MedGen C0950123, MeSH D030342.

gnomAD v4.1: 4 of 1,614,042 alleles (0.00025%); highest among the groups gnomAD compares: Admixed American, 0.0017%; no homozygotes.

Submissions (2):

Labcorp Genetics (formerly Invitae), Labcorp
Classification: Uncertain significance for Pyruvate carboxylase deficiency. Last evaluated: 2026-01-12. Review status: criteria provided, single submitter. Criteria: Invitae Variant Classification Sherloc (09022015). Collection method: clinical testing. Allele origin: germline.
Comment: This sequence change replaces glutamic acid, which is acidic and polar, with aspartic acid, which is acidic and polar, at codon 889 of the PC protein (p.Glu889Asp). This variant is not present in population databases (gnomAD no frequency). This variant has not been reported in the literature in individuals affected with PC-related conditions. ClinVar contains an entry for this variant (Variation ID: 1063819). Invitae Evidence Modeling of protein sequence and biophysical properties (such as structural, functional, and spatial information, amino acid conservation, physicochemical variation, residue mobility, and thermodynamic stability) indicates that this missense variant is not expected to disrupt PC protein function with a negative predictive value of 95%. In summary, the available evidence is currently insufficient to determine the role of this variant in disease. Therefore, it has been classified as a Variant of Uncertain Significance.

Ambry Genetics
Classification: Uncertain significance for Inborn genetic diseases. Last evaluated: 2022-10-03. Review status: criteria provided, single submitter. Criteria: Ambry Variant Classification Scheme 2023. Collection method: clinical testing. Allele origin: germline.

NM_001040716.2(PC):c.2667G>C (p.Glu889Asp)

Gene: PC (pyruvate carboxylase; minus strand). Cytogenetic location: 11q13.2.
Variant type: single nucleotide variant.
Coding change: c.2667G>C on transcript NM_001040716.2 (MANE Select); coding-DNA position 2667, G replaced by C.
Protein change: p.Glu889Asp; replaces glutamic acid 889 with aspartic acid.
Molecular consequence: missense variant.
Genome position (GRCh38, 1-based): chr11:66,850,271, C>G on the plus strand (G>C on the coding strand, the complement: PC is on the minus strand). VCF-style: chr11-66850271-C-G. GRCh37 (hg19) VCF-style: chr11-66617742-C-G.
Other names: c.2667G>C (NM_000920.3); c.2667G>C, p.Glu889Asp (NM_000920.4, NM_022172.3); short protein forms E889D.
Identifiers: ClinVar variation 1063819 (VCV001063819.6), dbSNP rs1006994126, ClinGen allele CA224122526.